The following is an entry in ClinVar:

NM_003482.4(KMT2D):c.14395G>A (p.Val4799Met)

Gene: KMT2D (lysine methyltransferase 2D; minus strand). Cytogenetic location: 12q13.12.
Variant type: single nucleotide variant.
Coding change: c.14395G>A on transcript NM_003482.4 (MANE Select); coding-DNA position 14395, G replaced by A.
Protein change: p.Val4799Met; replaces valine 4799 with methionine.
Molecular consequence: missense variant.
Genome position (GRCh38, 1-based): chr12:49,028,129, C>T on the plus strand (G>A on the coding strand, the complement: KMT2D is on the minus strand). VCF-style: chr12-49028129-C-T. GRCh37 (hg19) VCF-style: chr12-49421912-C-T.
Other names: c.14395G>A (NM_003482.3); short protein forms V4799M.
Identifiers: ClinVar variation 1409501 (VCV001409501.7), dbSNP rs373731411, ClinGen allele CA6545750.
Genomic context (GRCh38, chr12:49,028,129, plus strand): 5'-ACAGCACCTCATAGGAGTTGGGGATCTTCATGCTCAGCAGCTCCGCCACTGCCACCATCA[C>T]GCCATTCAGGTTCTGCCAGGGCCAGGGAAGGGATGGAAGAAACATATCAGCCAAGTGTCT-3'
Protein context (NP_003473.3, residues 4789-4809): SAAAAKNLNG[Val4799Met]MVAVAELLSM

ClinVar aggregate classification (germline): Conflicting classifications of pathogenicity. Review status: criteria provided, conflicting classifications (1 of 4 stars). 2 submissions from 2 submitters: Uncertain significance (1); Benign (1). Last evaluated 2025-12-22.

Conditions:
Kabuki syndrome. Also called: Kabuki make-up syndrome; NIIKAWA-KUROKI SYNDROME. Identifiers: Orphanet 2322, MedGen C0796004, MONDO:0016512.

Allele frequency attached by ClinVar (database versions not stated): gnomAD exomes 0.00001 and 0.00002; ExAC 0.00002; gnomAD 0.00002 and 0.00003; TOPMed 0.00002; ESP Exome Variant Server 0.00008; 1000 Genomes Project 0.00020; 1000 Genomes Project 30x 0.00031.
gnomAD v4.1: 16 of 1,613,998 alleles (0.00099%); highest among the groups gnomAD compares: African/African-American, 0.008%; no homozygotes.

Submissions (2):

Labcorp Genetics (formerly Invitae), Labcorp
Classification: Benign for Kabuki syndrome. Last evaluated: 2025-12-22. Review status: criteria provided, single submitter. Criteria: Invitae Variant Classification Sherloc (09022015). Collection method: clinical testing. Allele origin: germline.

GeneDx
Classification: Uncertain significance. Last evaluated: 2023-12-13. Review status: criteria provided, single submitter. Criteria: GeneDx Variant Classification Process June 2021. Collection method: clinical testing. Allele origin: germline. Affected: yes.
Comment: In silico analysis supports that this missense variant has a deleterious effect on protein structure/function; Has not been previously published as pathogenic or benign in association with neurodevelopmental disorder to our knowledge; This variant is associated with the following publications: (PMID: 26366712)